The following is an entry in ClinVar:

ClinVar aggregate classification (germline): Conflicting classifications of pathogenicity. Review status: criteria provided, conflicting classifications (1 of 4 stars). 2 submissions from 2 submitters: Uncertain significance (1); Likely benign (1). Last evaluated 2023-03-13.

Conditions:
Neurodevelopmental disorder with or without variable brain abnormalities; NEDBA. Also called: NEURODEVELOPMENTAL DISORDER WITH OR WITHOUT VARIABLE BRAIN ABNORMALITIES. Identifiers: MedGen C5193102, MONDO:0032755, OMIM 618443.
Inborn genetic diseases. Identifiers: MedGen C0950123, MeSH D030342.

Allele frequency attached by ClinVar (database versions not stated): 1000 Genomes Project 30x 0.00016.
gnomAD v4.1: 129 of 1,563,500 alleles (0.0083%); highest among the groups gnomAD compares: Middle Eastern, 0.18%; no homozygotes.

Submissions (2):

Ambry Genetics
Classification: Likely benign for Inborn genetic diseases. Last evaluated: 2023-03-13. Review status: criteria provided, single submitter. Criteria: Ambry Variant Classification Scheme 2023. Collection method: clinical testing. Allele origin: germline.

Neuberg Centre For Genomic Medicine, NCGM
Classification: Uncertain significance for Neurodevelopmental disorder with or without variable brain abnormalities; NEDBA. Review status: criteria provided, single submitter. Criteria: ACMG Guidelines, 2015. Collection method: clinical testing. Allele origin: germline. Inheritance: Autosomal dominant inheritance. Affected: yes.
Comment: The missense variant c.1899C>A (p.Asp633Glu) in MAPK8IP3 gene has not been reported previously as a pathogenic variant nor as a benign variant, to our knowledge. The p.Asp633Glu variant is reported with the allele frequency (0.0064%) in the gnomAD Exomes and is novel (not in any individuals) in 1000 Genomes. The amino acid Asp at position 633 is changed to a Glu changing protein sequence and it might alter its composition and physico-chemical properties. In silico tools predict the variant to be tolerated. The residue is conserved across species. The amino acid change p.Asp633Glu in MAPK8IP3 is predicted as conserved by GERP++ and PhyloP across 100 vertebrates. For these reasons, this variant has been classified as Variant of Uncertain Significance (VUS).

NM_001318852.2(MAPK8IP3):c.1899C>A (p.Asp633Glu)

Gene: MAPK8IP3 (mitogen-activated protein kinase 8 interacting protein 3; plus strand). Cytogenetic location: 16p13.3.
Variant type: single nucleotide variant.
Coding change: c.1899C>A on transcript NM_001318852.2 (MANE Select); coding-DNA position 1899, C replaced by A.
Protein change: p.Asp633Glu; replaces aspartic acid 633 with glutamic acid.
Molecular consequence: missense variant.
Genome position (GRCh38, 1-based): chr16:1,763,657, C>A. VCF-style: chr16-1763657-C-A. GRCh37 (hg19) VCF-style: chr16-1813658-C-A.
Other names: c.1878C>A, p.Asp626Glu (NM_001040439.2); c.1896C>A, p.Asp632Glu (NM_015133.5, NM_033392.3); c.1899C>A (NM_001318852.1); short protein forms D626E, D632E, D633E.
Identifiers: ClinVar variation 2462030 (VCV002462030.2), dbSNP rs200312072, ClinGen allele CA7817072.